The following is an entry in ClinVar:

NM_001042492.3(NF1):c.5967C>G (p.Tyr1989Ter)

Gene: NF1 (neurofibromin 1; plus strand). Cytogenetic location: 17q11.2.
Variant type: single nucleotide variant.
Coding change: c.5967C>G on transcript NM_001042492.3 (MANE Select); coding-DNA position 5967, C replaced by G.
Protein change: p.Tyr1989Ter; replaces tyrosine 1989 with a stop codon.
Molecular consequence: nonsense.
Genome position (GRCh38, 1-based): chr17:31,334,992, C>G. VCF-style: chr17-31334992-C-G. GRCh37 (hg19) VCF-style: chr17-29662010-C-G.
Other names: c.5904C>G, p.Tyr1968Ter (NM_000267.4); short protein forms Y1968*, Y1989*.
Identifiers: ClinVar variation 561857 (VCV000561857.7), dbSNP rs1567615902, ClinGen allele CA399010895.

ClinVar aggregate classification (germline): Pathogenic. Review status: criteria provided, multiple submitters, no conflicts (2 of 4 stars). 3 submissions from 3 submitters: Pathogenic (3). Last evaluated 2023-05-27.

Conditions:
Neurofibromatosis, type 1 (NF1). Also called: VON RECKLINGHAUSEN DISEASE; NEUROFIBROMATOSIS, TYPE I, SOMATIC; Peripheral type neurofibromatosis; Neurofibromatosis, type I. Identifiers: Orphanet 636, MedGen C0027831, MONDO:0018975, OMIM 162200. Disease mechanism: loss of function.

Submissions (3):

Labcorp Genetics (formerly Invitae), Labcorp
Classification: Pathogenic for Neurofibromatosis, type 1. Last evaluated: 2023-05-27. Review status: criteria provided, single submitter. Criteria: Invitae Variant Classification Sherloc (09022015). Collection method: clinical testing. Allele origin: germline.
Comment: For these reasons, this variant has been classified as Pathogenic. ClinVar contains an entry for this variant (Variation ID: 561857). This premature translational stop signal has been observed in individual(s) with clinical features of neurofibromatosis, type 1 (PMID: 26969325). This variant is not present in population databases (gnomAD no frequency). This sequence change creates a premature translational stop signal (p.Tyr1968*) in the NF1 gene. It is expected to result in an absent or disrupted protein product. Loss-of-function variants in NF1 are known to be pathogenic (PMID: 10712197, 23913538).

Genome-Nilou Lab
Classification: Pathogenic for Neurofibromatosis, type 1. Last evaluated: 2022-03-15. Review status: criteria provided, single submitter. Criteria: ACMG Guidelines, 2015. Collection method: clinical testing. Allele origin: germline. Affected: no.

GeneDx
Classification: Pathogenic. Last evaluated: 2018-05-24. Review status: criteria provided, single submitter. Criteria: GeneDx Variant Classification (06012015). Collection method: clinical testing. Allele origin: germline. Affected: yes.
Comment: This variant is denoted NF1 c.5904C>G at the cDNA level and p.Tyr1968Ter (Y1968X) at the protein level. The substitution creates a nonsense variant, which changes a Tyrosine to a premature stop codon (TAC>TAG), and is predicted to cause loss of normal protein function through either protein truncation or nonsense-mediated mRNA decay. Although this variant has not, to our knowledge, been reported in the literature, the adjacent variant, NF1 c.5904C>A, which also results in a premature stop codon at this residue (p.Tyr1968Ter), has been reported in an individual with a clinical diagnosis of NF1 (Hutter 2016). We consider this variant to be pathogenic.

Literature cited by the submitters: PubMed 26969325 (cited by Labcorp Genetics (formerly Invitae), Labcorp); PubMed 10712197 (cited by Labcorp Genetics (formerly Invitae), Labcorp); PubMed 23913538 (cited by Labcorp Genetics (formerly Invitae), Labcorp).